The following is an entry in ClinVar:

NM_000070.3(CAPN3):c.1524+3del

Gene: CAPN3 (calpain 3; plus strand). Cytogenetic location: 15q15.1.
Variant type: Deletion.
Coding change: c.1524+3del on transcript NM_000070.3 (MANE Select); 3 bases into the intron after coding-DNA position 1524, one base deleted (G; older notation c.1524+3delG).
Molecular consequence: intron variant.
Genome position (GRCh38, 1-based): chr15:42,401,813, G deleted. VCF-style (leftmost placement, unchanged base first): chr15-42401812-TG-T. GRCh37 (hg19) VCF-style: chr15-42694010-TG-T.
Other names: c.1524+3del (NM_024344.2); c.1380+3del (NM_173087.2).
Identifiers: ClinVar variation 581854 (VCV000581854.7), dbSNP rs1566980514, ClinGen allele CA891844313.

ClinVar aggregate classification (germline): Uncertain significance (1 of 4 stars; one submission).

Conditions:
Autosomal recessive limb-girdle muscular dystrophy type 2A (LGMDR1). Also called: Limb-girdle muscular dystrophy, type 2A; Muscular dystrophy, limb-girdle, type 2A, Amish; Calpainopathy; LEYDEN-MOEBIUS MUSCULAR DYSTROPHY; MUSCULAR DYSTROPHY, PELVOFEMORAL. Identifiers: Orphanet 267, MedGen C1869123, MONDO:0009675, OMIM 253600. Disease mechanism: loss of function.

Submission:

Labcorp Genetics (formerly Invitae), Labcorp
Classification: Uncertain significance for Autosomal recessive limb-girdle muscular dystrophy type 2A. Last evaluated: 2021-09-02. Review status: criteria provided, single submitter. Criteria: Invitae Variant Classification Sherloc (09022015). Collection method: clinical testing. Allele origin: germline.
Comment: This variant is not present in population databases (ExAC no frequency). This sequence change falls in intron 11 of the CAPN3 gene. It does not directly change the encoded amino acid sequence of the CAPN3 protein, but it affects a nucleotide within the consensus splice site of the intron. This variant has not been reported in the literature in individuals with CAPN3-related disease. In summary, the available evidence is currently insufficient to determine the role of this variant in disease. Therefore, it has been classified as a Variant of Uncertain Significance. Nucleotide substitutions within the consensus splice site are a relatively common cause of aberrant splicing (PMID: 17576681, 9536098). Algorithms developed to predict the effect of sequence changes on RNA splicing suggest that this variant may disrupt the consensus splice site, but this prediction has not been confirmed by published transcriptional studies.

Literature cited by the submitters: PubMed 17576681; PubMed 9536098.